The following is an entry in ClinVar:

NM_001099922.3(ALG13):c.35G>A (p.Ser12Asn)

Gene: ALG13 (ALG13 UDP-N-acetylglucosaminyltransferase subunit; plus strand). Cytogenetic location: Xq23.
Variant type: single nucleotide variant.
Coding change: c.35G>A on transcript NM_001099922.3 (MANE Select); coding-DNA position 35, G replaced by A.
Protein change: p.Ser12Asn; replaces serine 12 with asparagine.
Molecular consequence: missense variant. On other transcripts: 5 prime UTR variant (9), non-coding transcript variant (3).
Genome position (GRCh38, 1-based): chrX:111,681,253, G>A. VCF-style: chrX-111681253-G-A. GRCh37 (hg19) VCF-style: chrX-110924481-G-A.
Other names: c.35G>A, p.Ser12Asn (NM_001039210.5, NM_001168385.3, NM_001324290.2 and 2 more transcripts); c.-174G>A (NM_001257230.2, NM_001324291.2); c.-266G>A (NM_001257231.2, NM_001257241.3); c.-299G>A (NM_001257234.2, NM_001257235.3); c.-403G>A (NM_001257237.2, NM_001257240.3, NM_001324293.1); short protein forms S12N.
Identifiers: ClinVar variation 1493955 (VCV001493955.6), dbSNP rs2147593382, ClinGen allele CA414248009.

ClinVar aggregate classification (germline): Uncertain significance (1 of 4 stars; one submission).

Conditions:
Developmental and epileptic encephalopathy, 36 (DEE36). Also called: Congenital disorder of glycosylation, type Is; ALG13-CDG; Epileptic encephalopathy, early infantile, 36. Identifiers: Orphanet 324422, MedGen C4317295, MONDO:0010472, OMIM 300884.

Submission:

Labcorp Genetics (formerly Invitae), Labcorp
Classification: Uncertain significance for Developmental and epileptic encephalopathy, 36. Last evaluated: 2021-11-14. Review status: criteria provided, single submitter. Criteria: Invitae Variant Classification Sherloc (09022015). Collection method: clinical testing. Allele origin: germline.
Comment: In summary, the available evidence is currently insufficient to determine the role of this variant in disease. Therefore, it has been classified as a Variant of Uncertain Significance. Algorithms developed to predict the effect of missense changes on protein structure and function are either unavailable or do not agree on the potential impact of this missense change (SIFT: "Deleterious"; PolyPhen-2: "Probably Damaging"; Align-GVGD: "Class C0"). This variant has not been reported in the literature in individuals affected with ALG13-related conditions. This variant is not present in population databases (gnomAD no frequency). This sequence change replaces serine, which is neutral and polar, with asparagine, which is neutral and polar, at codon 12 of the ALG13 protein (p.Ser12Asn).